The following is an entry in ClinVar:

NM_001267550.2(TTN):c.94604G>T (p.Gly31535Val)

Genes: TTN (titin; minus strand), TTN-AS1 (TTN antisense RNA 1; plus strand). Cytogenetic location: 2q31.2.
Variant type: single nucleotide variant.
Coding change: c.94604G>T on transcript NM_001267550.2 (MANE Select); coding-DNA position 94604, G replaced by T.
Protein change: p.Gly31535Val; replaces glycine 31535 with valine.
Molecular consequence: missense variant.
Genome position (GRCh38, 1-based): chr2:178,546,824, C>A on the plus strand (G>T on the coding strand, the complement: TTN is on the minus strand). VCF-style: chr2-178546824-C-A. GRCh37 (hg19) VCF-style: chr2-179411551-C-A.
Other names: c.89681G>T, p.Gly29894Val (NM_001256850.1); c.67409G>T, p.Gly22470Val (NM_003319.4); c.86900G>T, p.Gly28967Val (NM_133378.4); c.67784G>T, p.Gly22595Val (NM_133432.3); c.67985G>T, p.Gly22662Val (NM_133437.4); short protein forms G22470V, G22595V, G22662V, G28967V, G29894V, G31535V.
Identifiers: ClinVar variation 984477 (VCV000984477.5), dbSNP rs200302364, ClinGen allele CA1987093.

ClinVar aggregate classification (germline): Uncertain significance. Review status: criteria provided, multiple submitters, no conflicts (2 of 4 stars). 3 submissions from 3 submitters: Uncertain significance (3). Last evaluated 2026-07-09.

Conditions:
TTN-related disorder. Also called: TTN-related condition; TTN-related disease; TTN-related disorders.

Allele frequency attached by ClinVar (database versions not stated): gnomAD 0.00004; TOPMed 0.00005; ESP Exome Variant Server 0.00008; gnomAD exomes below 0.00001 and 0.00001; ExAC 0.00002.
gnomAD v4.1: 10 of 1,611,068 alleles (0.00062%); highest among the groups gnomAD compares: African/African-American, 0.012%; no homozygotes.

Submissions (3):

PreventionGenetics, part of Exact Sciences
Classification: Uncertain significance for TTN-related condition. Last evaluated: 2026-07-09. Review status: criteria provided, single submitter. Criteria: ACMG Guidelines, 2015. Collection method: clinical testing. Allele origin: germline.
Comment: The TTN c.94604G>T variant is predicted to result in the amino acid substitution p.Gly31535Val. To our knowledge, this variant has not been reported in the literature. This variant is reported in 0.012% of alleles in individuals of African descent in gnomAD. At this time, the clinical significance of this variant is uncertain due to the absence of conclusive functional and genetic evidence.

Women's Health and Genetics/Laboratory Corporation of America, LabCorp
Classification: Uncertain significance. Last evaluated: 2020-10-26. Review status: criteria provided, single submitter. Criteria: LabCorp Variant Classification Summary - May 2015. Collection method: clinical testing. Allele origin: germline.
Comment: Variant summary: TTN c.86900G>T (p.Gly28967Val) results in a non-conservative amino acid change in the encoded protein sequence. Five of five in-silico tools predict a damaging effect of the variant on protein function. The variant allele was found at a frequency of 8.1e-06 in 247198 control chromosomes. The available data on variant occurrences in the general population are insufficient to allow any conclusion about variant significance. To our knowledge, no occurrence of c.86900G>T in individuals affected with Dilated Cardiomyopathy and no experimental evidence demonstrating its impact on protein function have been reported. No clinical diagnostic laboratories have submitted clinical-significance assessments for this variant to ClinVar after 2014. Based on the evidence outlined above, the variant was classified as uncertain significance.

Revvity Omics, Revvity
Classification: Uncertain significance. Last evaluated: 2020-09-30. Review status: criteria provided, single submitter. Criteria: ACMG Guidelines, 2015. Collection method: clinical testing. Allele origin: germline.